The following is an entry in ClinVar:

NM_001199799.2(ILDR1):c.1305C>A (p.Ser435Arg)

Gene: ILDR1 (immunoglobulin like domain containing receptor 1; minus strand). Cytogenetic location: 3q13.33.
Variant type: single nucleotide variant.
Coding change: c.1305C>A on transcript NM_001199799.2 (MANE Select); coding-DNA position 1305, C replaced by A.
Protein change: p.Ser435Arg; replaces serine 435 with arginine.
Molecular consequence: missense variant.
Genome position (GRCh38, 1-based): chr3:121,993,444, G>T on the plus strand (C>A on the coding strand, the complement: ILDR1 is on the minus strand). VCF-style: chr3-121993444-G-T. GRCh37 (hg19) VCF-style: chr3-121712291-G-T.
Other names: c.1038C>A, p.Ser346Arg (NM_001199800.2); c.1173C>A, p.Ser391Arg (NM_175924.4); short protein forms S435R, S346R, S391R.
Identifiers: ClinVar variation 504523 (VCV000504523.14), dbSNP rs35597690, ClinGen allele CA2568719.

ClinVar aggregate classification (germline): Benign/Likely benign. Review status: criteria provided, multiple submitters, no conflicts (2 of 4 stars). 5 submissions from 5 submitters: Benign (1); Likely benign (3). 1 of the submissions does not count toward it. Last evaluated 2025-10-14.

Conditions:
ILDR1-related disorder. Also called: ILDR1-related condition.

Allele frequency attached by ClinVar (database versions not stated): 1000 Genomes Project 0.00020; 1000 Genomes Project 30x 0.00031; ESP Exome Variant Server 0.00100; gnomAD 0.00116 and 0.00120; TOPMed 0.00123; gnomAD exomes 0.00125 and 0.00226; ExAC 0.00151.
gnomAD v4.1: 3,419 of 1,614,008 alleles (0.21%); highest among the groups gnomAD compares: Non-Finnish European, 0.28%; 10 homozygotes.

Submissions (5):

Labcorp Genetics (formerly Invitae), Labcorp
Classification: Benign. Last evaluated: 2025-10-14. Review status: criteria provided, single submitter. Criteria: Invitae Variant Classification Sherloc (09022015). Collection method: clinical testing. Allele origin: germline.

Blueprint Genetics
Classification: Likely benign. Last evaluated: 2024-11-22. Review status: criteria provided, single submitter. Criteria: ACMG Guidelines, 2015. Collection method: clinical testing. Allele origin: germline.

GeneDx
Classification: Likely benign. Last evaluated: 2017-11-09. Review status: criteria provided, single submitter. Criteria: GeneDx Variant Classification (06012015). Collection method: clinical testing. Allele origin: germline. Affected: yes.
Comment: This variant is considered likely benign or benign based on one or more of the following criteria: it is a conservative change, it occurs at a poorly conserved position in the protein, it is predicted to be benign by multiple in silico algorithms, and/or has population frequency not consistent with disease.

Laboratory for Molecular Medicine, Mass General Brigham Personalized Medicine
Classification: Likely benign. Last evaluated: 2017-04-13. Review status: criteria provided, single submitter. Criteria: LMM Criteria. Collection method: clinical testing. Allele origin: germline. Observed: 2 variant alleles.
Comment: p.Ser435Arg in exon 7 of ILDR1: This variant is not expected to have clinical si gnificance because it has been identified in 0.25% (315/125942) of European chro mosomes including 2 homozygotes by the Genome Aggregation Database (gnomAD; dbSNP rs35597690). Furthermore, this amino acid re sidue is not conserved across species, including mammals. Of note, 7 mammals (pr airie vole, Chinese hamster, golden hamster, mouse, rat, pig, and sheep) have an arginine (Arg) at this position.

PreventionGenetics, part of Exact Sciences
Classification: Likely benign for ILDR1-related condition. Last evaluated: 2024-05-01. Review status: no assertion criteria provided. Collection method: clinical testing. Allele origin: germline. Not counted in ClinVar's aggregate classification.
Comment: This variant is classified as likely benign based on ACMG/AMP sequence variant interpretation guidelines (Richards et al. 2015 PMID: 25741868, with internal and published modifications).